The following is an entry in ClinVar:

ClinVar aggregate classification (germline): Pathogenic. Review status: criteria provided, multiple submitters, no conflicts (2 of 4 stars). 6 submissions from 6 submitters: Pathogenic (4). 2 of the submissions do not count toward it. Last evaluated 2025-06-23.

Conditions:
Retinal dystrophy. Also called: Inherited retinal dystrophy. Identifiers: Orphanet 71862, MedGen C0854723, MeSH D058499, MONDO:0019118, HP:0000556.
BEST1-related disorder. Also called: BEST1-related disorders; BEST1-related condition. Identifiers: MedGen CN239200.

Allele frequency attached by ClinVar (database versions not stated): gnomAD exomes below 0.00001.
gnomAD v4.1: 2 of 1,614,082 alleles (0.00012%); highest among the groups gnomAD compares: Non-Finnish European, 0.00017%; no homozygotes.

Submissions (6):

Labcorp Genetics (formerly Invitae), Labcorp
Classification: Pathogenic. Last evaluated: 2025-06-23. Review status: criteria provided, single submitter. Criteria: Invitae Variant Classification Sherloc (09022015). Collection method: clinical testing. Allele origin: germline.
Comment: This sequence change replaces alanine, which is neutral and non-polar, with threonine, which is neutral and polar, at codon 243 of the BEST1 protein (p.Ala243Thr). This variant is not present in population databases (gnomAD no frequency). This missense change has been observed in individuals with autosomal dominant Best macular dystrophy (PMID: 10798642, 25082885). ClinVar contains an entry for this variant (Variation ID: 99749). Invitae Evidence Modeling of protein sequence and biophysical properties (such as structural, functional, and spatial information, amino acid conservation, physicochemical variation, residue mobility, and thermodynamic stability) indicates that this missense variant is expected to disrupt BEST1 protein function with a positive predictive value of 95%. Experimental studies have shown that this missense change affects BEST1 function (PMID: 21878505, 27193166). This variant disrupts the p.Ala243 amino acid residue in BEST1. Other variant(s) that disrupt this residue have been determined to be pathogenic (PMID: 10854112, 28225368, 28559085). This suggests that this residue is clinically significant, and that variants that disrupt this residue are likely to be disease-causing. For these reasons, this variant has been classified as Pathogenic.

Blueprint Genetics
Classification: Pathogenic for BEST1-related disorders. Last evaluated: 2024-08-06. Review status: criteria provided, single submitter. Criteria: ACMG Guidelines, 2015. Collection method: clinical testing. Allele origin: germline. Affected: yes. Observed: 5 variant alleles.

Institute of Human Genetics, Univ. Regensburg, Univ. Regensburg
Classification: Pathogenic for Retinal dystrophy. Last evaluated: 2020-01-01. Review status: criteria provided, single submitter. Criteria: ACMG Guidelines, 2015. Collection method: clinical testing. Allele origin: germline. Affected: yes.

GeneDx
Classification: Pathogenic. Last evaluated: 2017-09-01. Review status: criteria provided, single submitter. Criteria: GeneDx Variant Classification (06012015). Collection method: clinical testing. Allele origin: germline. Affected: yes.
Comment: The A243T variant in the BEST1 gene has been reported previously in the heterozygous state in multiple unrelated individuals with a BEST1-related disorder (Lotery et al., 2000; Chung et al., 2001; Song et al., 2011). In addition, a different missense variant at this residue (A243V) has also been reported in association with BEST1-related disease (Kramer et al., 2000; Querques et al., 2011). The A243T variant is not observed in large population cohorts (Lek et al., 2016; 1000 Genomes Consortium et al., 2015; Exome Variant Server). The A243T variant is a non-conservative amino acid substitution, which is likely to impact secondary protein structure as these residues differ in polarity, charge, size and/or other properties. This substitution occurs at a position that is conserved across species. Functional studies indicate that A243T reduces the efficiency of proper localization of the besrophin-1 protein to the plasma membrane of the retinal pigment epithelium (Milenkovic et al., 2011). We interpret A243T as a pathogenic variant.

NEI Ophthalmic Genomics Laboratory, National Institutes of Health
No classification provided. Review status: no classification provided. Collection method: not provided. Allele origin: not provided. Not counted in ClinVar's aggregate classification.

Retina International
No classification provided. Review status: no classification provided. Collection method: not provided. Allele origin: not provided. Not counted in ClinVar's aggregate classification.

Literature cited by the submitters: PubMed 10798642 (cited by Labcorp Genetics (formerly Invitae), Labcorp and Institute of Human Genetics, Univ. Regensburg, Univ. Regensburg); PubMed 25082885 (cited by Labcorp Genetics (formerly Invitae), Labcorp); PubMed 21878505 (cited by Labcorp Genetics (formerly Invitae), Labcorp and Institute of Human Genetics, Univ. Regensburg, Univ. Regensburg); PubMed 27193166 (cited by Labcorp Genetics (formerly Invitae), Labcorp and Institute of Human Genetics, Univ. Regensburg, Univ. Regensburg); PubMed 10854112 (cited by Labcorp Genetics (formerly Invitae), Labcorp); PubMed 28225368 (cited by Labcorp Genetics (formerly Invitae), Labcorp); PubMed 28559085 (cited by Labcorp Genetics (formerly Invitae), Labcorp); PubMed 22025579 (cited by Institute of Human Genetics, Univ. Regensburg, Univ. Regensburg); PubMed 31570112 (cited by Institute of Human Genetics, Univ. Regensburg, Univ. Regensburg); PubMed 31836750 (cited by Institute of Human Genetics, Univ. Regensburg, Univ. Regensburg); PubMed 34240658 (cited by Institute of Human Genetics, Univ. Regensburg, Univ. Regensburg); PubMed 36460718 (cited by Institute of Human Genetics, Univ. Regensburg, Univ. Regensburg).

NM_004183.4(BEST1):c.727G>A (p.Ala243Thr)

Gene: BEST1 (bestrophin 1; plus strand). Cytogenetic location: 11q12.3.
Variant type: single nucleotide variant.
Coding change: c.727G>A on transcript NM_004183.4 (MANE Select); coding-DNA position 727, G replaced by A.
Protein change: p.Ala243Thr; replaces alanine 243 with threonine.
Molecular consequence: missense variant. On other transcripts: non-coding transcript variant (1).
Genome position (GRCh38, 1-based): chr11:61,958,158, G>A. VCF-style: chr11-61958158-G-A. GRCh37 (hg19) VCF-style: chr11-61725630-G-A.
Other names: c.547G>A, p.Ala183Thr (NM_001139443.3, NM_001300786.2, NM_001300787.2); c.409G>A, p.Ala137Thr (NM_001363591.3); c.727G>A, p.Ala243Thr (NM_001363592.2); c.-449G>A (NM_001363593.3); short protein forms A243T, A137T, A183T.
Identifiers: ClinVar variation 99749 (VCV000099749.12), dbSNP rs137853905, ClinGen allele CA227814.